The following is an entry in ClinVar:

ClinVar aggregate classification (germline): Benign (1 of 4 stars; one submission).

Allele frequency attached by ClinVar (database versions not stated): gnomAD exomes 0.14769; gnomAD 0.16613 and 0.17062; TOPMed 0.17408; 1000 Genomes Project 30x 0.25640; 1000 Genomes Project 0.25839.
gnomAD v4.1: 95,398 of 622,788 alleles (15%); highest among the groups gnomAD compares: East Asian, 45%; 9,917 homozygotes.

Submission:

GeneDx
Classification: Benign. Last evaluated: 2018-06-18. Review status: criteria provided, single submitter. Criteria: GeneDx Variant Classification (06012015). Collection method: clinical testing. Allele origin: germline. Affected: yes.
Comment: This variant is considered likely benign or benign based on one or more of the following criteria: it is a conservative change, it occurs at a poorly conserved position in the protein, it is predicted to be benign by multiple in silico algorithms, and/or has population frequency not consistent with disease.

NM_001130438.3(SPTAN1):c.6576+249T>C

Gene: SPTAN1 (spectrin alpha, non-erythrocytic 1; plus strand). Cytogenetic location: 9q34.11.
Variant type: single nucleotide variant.
Coding change: c.6576+249T>C on transcript NM_001130438.3 (MANE Select); 249 bases into the intron after coding-DNA position 6576, T replaced by C.
Molecular consequence: intron variant.
Genome position (GRCh38, 1-based): chr9:128,626,936, T>C. VCF-style: chr9-128626936-T-C. GRCh37 (hg19) VCF-style: chr9-131389215-T-C.
Other names: c.6576+249T>C (NM_001363759.2); c.6561+249T>C (NM_003127.4); c.6516+249T>C (NM_001363765.2); c.6501+249T>C (NM_001195532.2).
Identifiers: ClinVar variation 670133 (VCV000670133.1), dbSNP rs7038602, ClinGen allele CA13090821.